The following is an entry in ClinVar:

ClinVar aggregate classification (germline): Benign/Likely benign. Review status: criteria provided, multiple submitters, no conflicts (2 of 4 stars). 10 submissions from 10 submitters: Benign (7); Likely benign (3). Last evaluated 2026-07-01.

Conditions:
Inborn genetic diseases. Identifiers: MedGen C0950123, MeSH D030342.
Developmental and epileptic encephalopathy, 12 (DEE12). Identifiers: MedGen C3150988, MONDO:0013389, OMIM 613722.

Allele frequency attached by ClinVar (database versions not stated): gnomAD exomes 0.00666 and 0.00639; gnomAD 0.00705 and 0.00730; ESP Exome Variant Server 0.00807; TOPMed 0.00816; 1000 Genomes Project 0.00439; 1000 Genomes Project 30x 0.00468; ExAC 0.00648.
gnomAD v4.1: 10,529 of 1,613,416 alleles (0.65%); highest among the groups gnomAD compares: Middle Eastern, 2.7%; 62 homozygotes.

Submissions (10):

CeGaT Center for Human Genetics Tuebingen
Classification: Likely benign. Last evaluated: 2026-07-01. Review status: criteria provided, single submitter. Criteria: CeGaT Center For Human Genetics Tuebingen Variant Classification Criteria Version 2. Collection method: clinical testing. Allele origin: germline. Affected: yes. Observed: 41 variant alleles.
Comment: PLCB1: BP4, BP7, BS2

Labcorp Genetics (formerly Invitae), Labcorp
Classification: Benign for Developmental and epileptic encephalopathy, 12. Last evaluated: 2026-02-02. Review status: criteria provided, single submitter. Criteria: Invitae Variant Classification Sherloc (09022015). Collection method: clinical testing. Allele origin: germline.

Blueprint Genetics
Classification: Likely benign. Last evaluated: 2024-11-28. Review status: criteria provided, single submitter. Criteria: ACMG Guidelines, 2015. Collection method: clinical testing. Allele origin: germline.

GeneDx
Classification: Benign. Last evaluated: 2020-12-14. Review status: criteria provided, single submitter. Criteria: GeneDx Variant Classification Process June 2021. Collection method: clinical testing. Allele origin: germline. Affected: yes.

Mayo Clinic Laboratories, Mayo Clinic
Classification: Benign. Last evaluated: 2018-08-16. Review status: criteria provided, single submitter. Criteria: ACMG Guidelines, 2015. Collection method: clinical testing. Allele origin: germline. Observed: 14 variant alleles.

Genetic Services Laboratory, University of Chicago
Classification: Benign. Last evaluated: 2017-11-21. Review status: criteria provided, single submitter. Criteria: ACMG Guidelines, 2015. Collection method: clinical testing. Allele origin: germline. Affected: no.

Athena Diagnostics
Classification: Benign. Last evaluated: 2017-09-08. Review status: criteria provided, single submitter. Criteria: Athena Diagnostics Criteria. Collection method: clinical testing. Allele origin: germline.

Ambry Genetics
Classification: Likely benign for Inborn genetic diseases. Last evaluated: 2016-04-15. Review status: criteria provided, single submitter. Criteria: Ambry Variant Classification Scheme 2023. Collection method: clinical testing. Allele origin: germline.

Eurofins Ntd Llc (ga)
Classification: Benign. Last evaluated: 2016-04-12. Review status: criteria provided, single submitter. Criteria: EGL Classification Definitions 2015. Collection method: clinical testing. Allele origin: germline. Observed: 2 variant alleles, 2 heterozygotes.

PreventionGenetics, part of Exact Sciences
Classification: Benign. Review status: criteria provided, single submitter. Criteria: ACMG Guidelines, 2015. Collection method: clinical testing. Allele origin: germline.

NM_015192.4(PLCB1):c.2967G>A (p.Thr989=)

Gene: PLCB1 (phospholipase C beta 1; plus strand). Cytogenetic location: 20p12.3.
Variant type: single nucleotide variant.
Coding change: c.2967G>A on transcript NM_015192.4 (MANE Select); coding-DNA position 2967, G replaced by A.
Protein change: p.Thr989=; no amino-acid change (threonine 989 retained).
Molecular consequence: synonymous variant.
Genome position (GRCh38, 1-based): chr20:8,774,575, G>A. VCF-style: chr20-8774575-G-A. GRCh37 (hg19) VCF-style: chr20-8755222-G-A.
Other names: p.Thr989=; c.2967G>A, p.Thr989= (NM_182734.3).
Identifiers: ClinVar variation 129909 (VCV000129909.69), dbSNP rs45464693, ClinGen allele CA154276.